The following is an entry in ClinVar:

NC_000017.10:g.(?_42635057)_(42636754_?)del

Gene: FZD2 (frizzled class receptor 2; plus strand). Cytogenetic location: 17q21.31.
Variant type: Deletion.
Identifiers: ClinVar variation 2424182 (VCV002424182.4).

ClinVar aggregate classification (germline): Uncertain significance (1 of 4 stars; one submission).

Submission:

Labcorp Genetics (formerly Invitae), Labcorp
Classification: Uncertain significance. Last evaluated: 2022-09-13. Review status: criteria provided, single submitter. Criteria: Invitae Variant Classification Sherloc (09022015). Collection method: clinical testing. Allele origin: germline.
Comment: In summary, the available evidence is currently insufficient to determine the role of this variant in disease. Therefore, it has been classified as a Variant of Uncertain Significance. This variant has not been reported in the literature in individuals affected with FZD2-related conditions. A gross deletion of the genomic region encompassing the full coding sequence of the FZD2 gene has been identified. The current clinical and genetic evidence is not sufficient to establish whether loss-of-function variants in FZD2 cause disease. The boundaries of this event are unknown as they extend beyond the assayed region for this gene and therefore may encompass additional genes.